The following is an entry in ClinVar:

NM_004385.5(VCAN):c.2180C>G (p.Ser727Cys)

Gene: VCAN (versican; plus strand). Cytogenetic location: 5q14.3.
Variant type: single nucleotide variant.
Coding change: c.2180C>G on transcript NM_004385.5 (MANE Select); coding-DNA position 2180, C replaced by G.
Protein change: p.Ser727Cys; replaces serine 727 with cysteine.
Molecular consequence: missense variant. On other transcripts: intron variant (2).
Genome position (GRCh38, 1-based): chr5:83,520,486, C>G. VCF-style: chr5-83520486-C-G. GRCh37 (hg19) VCF-style: chr5-82816305-C-G.
Other names: c.2180C>G, p.Ser727Cys (NM_001164098.2); c.1042+8090C>G (NM_001164097.2, NM_001126336.3); short protein forms S727C.
Identifiers: ClinVar variation 1523111 (VCV001523111.6), dbSNP rs199694481, ClinGen allele CA3332804.

ClinVar aggregate classification (germline): Uncertain significance (1 of 4 stars; one submission).

Allele frequency attached by ClinVar (database versions not stated): ESP Exome Variant Server 0.00008.
gnomAD v4.1: 66 of 1,613,898 alleles (0.0041%); highest among the groups gnomAD compares: Non-Finnish European, 0.0052%; no homozygotes.

Submission:

Labcorp Genetics (formerly Invitae), Labcorp
Classification: Uncertain significance. Last evaluated: 2025-10-23. Review status: criteria provided, single submitter. Criteria: Invitae Variant Classification Sherloc (09022015). Collection method: clinical testing. Allele origin: germline.
Comment: This sequence change replaces serine, which is neutral and polar, with cysteine, which is neutral and slightly polar, at codon 727 of the VCAN protein (p.Ser727Cys). This variant is present in population databases (rs199694481, gnomAD 0.005%). This variant has not been reported in the literature in individuals affected with VCAN-related conditions. ClinVar contains an entry for this variant (Variation ID: 1523111). An algorithm developed to predict the effect of missense changes on protein structure and function (PolyPhen-2) suggests that this variant is likely to be disruptive. In summary, the available evidence is currently insufficient to determine the role of this variant in disease. Therefore, it has been classified as a Variant of Uncertain Significance.